The following is an entry in ClinVar:

NM_005739.4(RASGRP1):c.727del (p.Thr243fs)

Gene: RASGRP1 (RAS guanyl releasing protein 1; minus strand). Cytogenetic location: 15q14.
Variant type: Deletion.
Coding change: c.727del on transcript NM_005739.4 (MANE Select); coding-DNA position 727, one base deleted (A; older notation c.727delA).
Protein change: p.Thr243fs; shifts the reading frame from threonine 243.
Molecular consequence: frameshift variant.
Genome position (GRCh38, 1-based): chr15:38,512,905, T deleted on the plus strand (A on the coding strand, the reverse complement: RASGRP1 is on the minus strand). VCF-style (leftmost placement, unchanged base first): chr15-38512904-GT-G. GRCh37 (hg19) VCF-style: chr15-38805105-GT-G.
Other names: c.727del, p.Thr243fs (NM_001128602.2, NM_001306086.2); short protein forms T243fs.
Identifiers: ClinVar variation 1074232 (VCV001074232.7), dbSNP rs2141115536, ClinGen allele CA2499222900.

ClinVar aggregate classification (germline): Pathogenic (1 of 4 stars; one submission).

Submission:

Labcorp Genetics (formerly Invitae), Labcorp
Classification: Pathogenic. Last evaluated: 2022-02-24. Review status: criteria provided, single submitter. Criteria: Invitae Variant Classification Sherloc (09022015). Collection method: clinical testing. Allele origin: germline.
Comment: For these reasons, this variant has been classified as Pathogenic. ClinVar contains an entry for this variant (Variation ID: 1074232). This variant has not been reported in the literature in individuals affected with RASGRP1-related conditions. This variant is not present in population databases (gnomAD no frequency). This sequence change creates a premature translational stop signal (p.Thr243Profs*18) in the RASGRP1 gene. It is expected to result in an absent or disrupted protein product. Loss-of-function variants in RASGRP1 are known to be pathogenic (PMID: 11017103, 27776107, 28822832).

Literature cited by the submitters: PubMed 11017103; PubMed 27776107; PubMed 28822832.